The following is an entry in ClinVar:

NM_022436.3(ABCG5):c.866A>G (p.Tyr289Cys)

Genes: ABCG5 (ATP binding cassette subfamily G member 5; minus strand), DYNC2LI1 (dynein cytoplasmic 2 light intermediate chain 1; plus strand). Cytogenetic location: 2p21.
Variant type: single nucleotide variant.
Coding change: c.866A>G on transcript NM_022436.3 (MANE Select); coding-DNA position 866, A replaced by G.
Protein change: p.Tyr289Cys; replaces tyrosine 289 with cysteine.
Molecular consequence: missense variant. On other transcripts: intron variant (2).
Genome position (GRCh38, 1-based): chr2:43,824,927, T>C on the plus strand (A>G on the coding strand, the complement: ABCG5 is on the minus strand). VCF-style: chr2-43824927-T-C. GRCh37 (hg19) VCF-style: chr2-44052066-T-C.
Other names: c.*16-2459T>C (NM_001348913.2, NM_001348912.2); short protein forms Y289C.
Identifiers: ClinVar variation 1365144 (VCV001365144.9), dbSNP rs759892269, ClinGen allele CA1636482.

ClinVar aggregate classification (germline): Uncertain significance (1 of 4 stars; one submission).

Conditions:
Sitosterolemia (STSL). Also called: PHYTOSTEROLEMIA. Identifiers: Orphanet 2882, MedGen C0342907, MONDO:0008863.

gnomAD v4.1: 7 of 1,614,088 alleles (0.00043%); highest among the groups gnomAD compares: South Asian, 0.0077%; no homozygotes.

Submission:

Labcorp Genetics (formerly Invitae), Labcorp
Classification: Uncertain significance for Sitosterolemia. Last evaluated: 2021-07-03. Review status: criteria provided, single submitter. Criteria: Invitae Variant Classification Sherloc (09022015). Collection method: clinical testing. Allele origin: germline.
Comment: This variant has not been reported in the literature in individuals affected with ABCG5-related conditions. In summary, the available evidence is currently insufficient to determine the role of this variant in disease. Therefore, it has been classified as a Variant of Uncertain Significance. Algorithms developed to predict the effect of missense changes on protein structure and function (SIFT, PolyPhen-2, Align-GVGD) all suggest that this variant is likely to be disruptive. This variant is present in population databases (rs759892269, ExAC 0.006%). This sequence change replaces tyrosine with cysteine at codon 289 of the ABCG5 protein (p.Tyr289Cys). The tyrosine residue is highly conserved and there is a large physicochemical difference between tyrosine and cysteine.